The following is an entry in ClinVar:

ClinVar aggregate classification (germline): Uncertain significance. Review status: reviewed by expert panel (3 of 4 stars). 3 submissions from 3 submitters: Uncertain significance (1). 2 of the submissions do not count toward it. Last evaluated 2025-07-24.

Conditions:
Monogenic diabetes. Identifiers: Orphanet 183625, MedGen C3888631, MONDO:0015967.
Maturity-onset diabetes of the young (MODY). Also called: Maturity onset diabetes mellitus in young. Identifiers: Orphanet 552, MedGen C0342276, MONDO:0018911, HP:0004904.

Submissions (3):

ClinGen Monogenic Diabetes Variant Curation Expert Panel
Classification: Uncertain significance for Monogenic diabetes. Last evaluated: 2025-07-24. Review status: reviewed by expert panel. Criteria: ClinGen Diabetes ACMG Specifications HNF1A V3.0.0. Collection method: curation. Allele origin: germline. Inheritance: Autosomal dominant inheritance.
Comment: The c.801_802insGGG variant in the HNF1 homeobox A gene, HNF1A, is a 3 base pair insertion resulting in the in-frame addition of 1 amino acid at codon 267 (p.Trp267_Phe268insGly) within exon 4 of NM_000545.8. This variant is located within a conserved region of the DNA binding domain (codons 107-174 and 201-280) of HNF1A, which is defined as critical for the protein’s function by the ClinGen MDEP (PM1_Supporting). This variant is also absent from gnomAD v2.1.1 and v4.1.0 (PM2_Supporting). The c.801_802insGGG variant is predicted to change the length of the protein due to an in-frame insertion of a single amino acid in a nonrepeat region (PM4_Supporting). In summary, c.801_802insGGG meets the criteria to be classified as a variant of uncertain significance for monogenic diabetes. ACMG/AMP criteria applied, as specified by the ClinGen MDEP (specification version 3.0.0, approved 6/30/2025): PM1_Supporting, PM2_Supporting, PM4_Supporting

Athena Diagnostics
Classification: Uncertain significance. Last evaluated: 2017-06-26. Review status: criteria provided, single submitter. Criteria: Athena Diagnostics Criteria. Collection method: clinical testing. Allele origin: germline. Not counted in ClinVar's aggregate classification.

Clinical Genomics, Uppaluri K&H Personalized Medicine Clinic
Classification: Likely benign for Maturity-onset diabetes of the young. Review status: criteria provided, single submitter. Criteria: K & H Uppaluri Personalized Medicine Clinic Variant Classification & Assertion Criteria_Updated V.1. Collection method: research. Allele origin: unknown. Inheritance: Autosomal dominant inheritance. Not counted in ClinVar's aggregate classification.
Comment: Mutations in HNF1A gene can predispose to MODY3. It is associated with both micro and macrovascular complications of diabetes, especially cardiovascular complications. Associated with glucosuria. May respond well to sulfonylureas. However, more evidence is required to confer the association of this particular variant rs1555212009 with MODY3.

Literature cited by the submitters: PubMed 31517624 (cited by Clinical Genomics, Uppaluri K&H Personalized Medicine Clinic); PubMed 32395877 (cited by Clinical Genomics, Uppaluri K&H Personalized Medicine Clinic); PubMed 35328643 (cited by Clinical Genomics, Uppaluri K&H Personalized Medicine Clinic); PubMed 35673428 (cited by Clinical Genomics, Uppaluri K&H Personalized Medicine Clinic).

NM_000545.8(HNF1A):c.801_802insGGG (p.Trp267_Phe268insGly)

Gene: HNF1A (HNF1 homeobox A; plus strand). Cytogenetic location: 12q24.31.
Variant type: Insertion.
Coding change: c.801_802insGGG on transcript NM_000545.8 (MANE Select); coding-DNA positions 801 to 802, GGG inserted.
Protein change: p.Trp267_Phe268insGly.
Molecular consequence: inframe insertion.
Genome position: GRCh38 VCF-style: chr12-120994249-T-TGGG. GRCh37 (hg19) VCF-style: chr12-121432052-T-TGGG.
Other names: NM_000545.6(HNF1A):c.801_802insGGG; p.Phe268_Ala269insGly; c.801_802insGGG, p.Trp267_Phe268insGly (NM_001306179.2).
Identifiers: ClinVar variation 447502 (VCV000447502.6), dbSNP rs1555212009, ClinGen allele CA658658179.